The following is an entry in ClinVar:

ClinVar aggregate classification (germline): Pathogenic. Review status: criteria provided, multiple submitters, no conflicts (2 of 4 stars). 3 submissions from 3 submitters: Pathogenic (2). 1 of the submissions does not count toward it. Last evaluated 2025-08-06.

Conditions:
COL2A1-related disorder. Also called: COL2A1-related condition; COL2A1-related disorders.
Stickler syndrome type 1 (STL1). Also called: COL2A1-Related Stickler Syndrome; ARTHROOPHTHALMOPATHY, HEREDITARY PROGRESSIVE; STICKLER SYNDROME, MEMBRANOUS VITREOUS TYPE; STICKLER SYNDROME, VITREOUS TYPE 1. Identifiers: Orphanet 828, Orphanet 90653, MedGen C2020284, MONDO:0007160, OMIM 108300.

Submissions (3):

PreventionGenetics, part of Exact Sciences
Classification: Pathogenic for COL2A1-related condition. Last evaluated: 2025-08-06. Review status: criteria provided, single submitter. Criteria: ACMG Guidelines, 2015. Collection method: clinical testing. Allele origin: germline.
Comment: The COL2A1 c.3642delT variant is predicted to result in a frameshift and premature protein termination (p.Gly1215Alafs*12). To our knowledge, this variant has not been reported in the literature or a large population database (gnomAD), indicating this variant is rare. Frameshift variants in COL2A1 are expected to be pathogenic (Hoornaert et al. 2010. PubMed ID: 20179744). This variant is interpreted as pathogenic.

Labcorp Genetics (formerly Invitae), Labcorp
Classification: Pathogenic. Last evaluated: 2022-05-21. Review status: criteria provided, single submitter. Criteria: Invitae Variant Classification Sherloc (09022015). Collection method: clinical testing. Allele origin: germline.
Comment: For these reasons, this variant has been classified as Pathogenic. ClinVar contains an entry for this variant (Variation ID: 635549). This variant has not been reported in the literature in individuals affected with COL2A1-related conditions. This variant is not present in population databases (gnomAD no frequency). This sequence change creates a premature translational stop signal (p.Gly1215Alafs*12) in the COL2A1 gene. It is expected to result in an absent or disrupted protein product. Loss-of-function variants in COL2A1 are known to be pathogenic (PMID: 20179744).

Bioscientia Institut fuer Medizinische Diagnostik GmbH, Sonic Healthcare
Classification: Pathogenic for Stickler syndrome type 1. Last evaluated: 2019-02-27. Review status: no assertion criteria provided. Collection method: clinical testing. Allele origin: germline. Affected: yes. Not counted in ClinVar's aggregate classification.

Literature cited by the submitters: PubMed 20179744 (cited by Labcorp Genetics (formerly Invitae), Labcorp).

NM_001844.5(COL2A1):c.3642del (p.Gly1215fs)

Gene: COL2A1 (collagen type II alpha 1 chain; minus strand). Cytogenetic location: 12q13.11.
Variant type: Deletion.
Coding change: c.3642del on transcript NM_001844.5 (MANE Select); coding-DNA position 3642, one base deleted (T; older notation c.3642delT).
Protein change: p.Gly1215fs; shifts the reading frame from glycine 1215.
Molecular consequence: frameshift variant.
Genome position (GRCh38, 1-based): chr12:47,975,561, A deleted on the plus strand (T on the coding strand, the reverse complement: COL2A1 is on the minus strand). VCF-style (leftmost placement, unchanged base first): chr12-47975560-CA-C. GRCh37 (hg19) VCF-style: chr12-48369343-CA-C.
Other names: c.3435del, p.Gly1146fs (NM_033150.3); short protein forms G1215fs, G1146fs.
Identifiers: ClinVar variation 635549 (VCV000635549.7), dbSNP rs1592196744, ClinGen allele CA913190702.